The following is an entry in ClinVar:

NM_005097.4(LGI1):c.108del (p.Lys36fs)

Gene: LGI1 (leucine rich glioma inactivated 1; plus strand). Cytogenetic location: 10q23.33.
Variant type: Deletion.
Coding change: c.108del on transcript NM_005097.4 (MANE Select); coding-DNA position 108, one base deleted (A; older notation c.108delA).
Protein change: p.Lys36fs; shifts the reading frame from lysine 36.
Molecular consequence: frameshift variant. On other transcripts: non-coding transcript variant (1).
Genome position (GRCh38, 1-based): chr10:93,758,252, A deleted; the last of 3 consecutive A bases (chr10:93,758,250-93,758,252); deleting any one gives the same sequence. VCF-style (leftmost placement, unchanged base first): chr10-93758249-GA-G. GRCh37 (hg19) VCF-style: chr10-95518006-GA-G.
Other names: p.Lys36Asnfs*40; c.108del, p.Lys36fs (NM_001308275.2, NM_001308276.2); short protein forms K36fs.
Identifiers: ClinVar variation 1076005 (VCV001076005.12), dbSNP rs2133975489, ClinGen allele CA2499220510.

ClinVar aggregate classification (germline): Pathogenic/Likely pathogenic. Review status: criteria provided, multiple submitters, no conflicts (2 of 4 stars). 3 submissions from 3 submitters: Pathogenic (2); Likely pathogenic (1). Last evaluated 2026-01-13.

Conditions:
Autosomal dominant epilepsy with auditory features. Identifiers: Orphanet 101046, MedGen C1838062, MONDO:0010898.

Submissions (3):

Labcorp Genetics (formerly Invitae), Labcorp
Classification: Pathogenic for Autosomal dominant epilepsy with auditory features. Last evaluated: 2026-01-13. Review status: criteria provided, single submitter. Criteria: Invitae Variant Classification Sherloc (09022015). Collection method: clinical testing. Allele origin: germline.
Comment: This sequence change creates a premature translational stop signal (p.Lys36Asnfs*40) in the LGI1 gene. It is expected to result in an absent or disrupted protein product. Loss-of-function variants in LGI1 are known to be pathogenic (PMID: 24206907). This variant is not present in population databases (gnomAD no frequency). This variant has not been reported in the literature in individuals affected with LGI1-related conditions. ClinVar contains an entry for this variant (Variation ID: 1076005). For these reasons, this variant has been classified as Pathogenic.

GeneDx
Classification: Pathogenic. Last evaluated: 2025-04-22. Review status: criteria provided, single submitter. Criteria: GeneDx Variant Classification Process June 2021. Collection method: clinical testing. Allele origin: germline.
Comment: Frameshift variant predicted to result in protein truncation or nonsense mediated decay in a gene for which loss-of-function is a known mechanism of disease; Has not been previously published as pathogenic or benign to our knowledge; Not observed at significant frequency in large population cohorts (gnomAD)

Mayo Clinic Laboratories, Mayo Clinic
Classification: Likely pathogenic. Last evaluated: 2022-05-02. Review status: criteria provided, single submitter. Criteria: ACMG Guidelines, 2015. Collection method: clinical testing. Allele origin: germline. Observed: 1 variant allele.
Comment: PM2, PVS1

Literature cited by the submitters: PubMed 24206907 (cited by Labcorp Genetics (formerly Invitae), Labcorp).